The following is an entry in ClinVar:

NM_000501.4(ELN):c.1517G>T (p.Gly506Val)

Genes: ELN (elastin; plus strand), ELN-AS1 (ELN antisense RNA 1; minus strand). Cytogenetic location: 7q11.23.
Variant type: single nucleotide variant.
Coding change: c.1517G>T on transcript NM_000501.4 (MANE Select); coding-DNA position 1517, G replaced by T.
Protein change: p.Gly506Val; replaces glycine 506 with valine.
Molecular consequence: missense variant.
Genome position (GRCh38, 1-based): chr7:74,059,988, G>T. VCF-style: chr7-74059988-G-T. GRCh37 (hg19) VCF-style: chr7-73474318-G-T.
Other names: c.1430G>T, p.Gly477Val (NM_001081752.3); c.1475G>T, p.Gly492Val (NM_001081753.3); c.1532G>T, p.Gly511Val (NM_001081754.3); c.1460G>T, p.Gly487Val (NM_001081755.3); c.1517G>T, p.Gly506Val (NM_001278912.2); c.1274G>T, p.Gly425Val (NM_001278913.2); c.1445G>T, p.Gly482Val (NM_001278914.2); c.1535G>T, p.Gly512Val (NM_001278915.2); and 4 more; short protein forms G496V, G473V, G477V, G511V, G492V, G506V, G512V, G535V.
Identifiers: ClinVar variation 2310922 (VCV002310922.3), dbSNP rs1796248029, ClinGen allele CA367885228.
Genomic context (GRCh38, chr7:74,059,988, plus strand): 5'-CTCCTGGTGTCGGTGTGGCTCCTGGAGTTGGCTTGGCTCCTGGAGTTGGCGTGGCTCCTG[G>T]AGTTGGTGTGGCTCCTGGCGTTGGCGTGGCTCCCGGCATTGGCCCTGGTGGAGTTGCAGG-3'
Protein context (NP_000492.2, residues 496-516): GLAPGVGVAP[Gly506Val]VGVAPGVGVA

ClinVar aggregate classification (germline): Uncertain significance. Review status: criteria provided, multiple submitters, no conflicts (2 of 4 stars). 2 submissions from 2 submitters: Uncertain significance (2). Last evaluated 2022-12-07.

Conditions:
Inborn genetic diseases. Identifiers: MedGen C0950123, MeSH D030342.

Allele frequency attached by ClinVar (database versions not stated): gnomAD exomes below 0.00001.
gnomAD v4.1: 2 of 1,613,978 alleles (0.00012%); highest among the groups gnomAD compares: South Asian, 0.0011%; no homozygotes.

Submissions (2):

GeneDx
Classification: Uncertain significance. Last evaluated: 2022-12-07. Review status: criteria provided, single submitter. Criteria: GeneDx Variant Classification Process June 2021. Collection method: clinical testing. Allele origin: germline. Affected: yes.
Comment: Not observed at significant frequency in large population cohorts (gnomAD); In silico analysis supports that this missense variant has a deleterious effect on protein structure/function; Has not been previously published as pathogenic or benign to our knowledge

Ambry Genetics
Classification: Uncertain significance for Inborn genetic diseases. Last evaluated: 2022-09-07. Review status: criteria provided, single submitter. Criteria: Ambry Variant Classification Scheme 2023. Collection method: clinical testing. Allele origin: germline.